The following is an entry in ClinVar:

NM_004618.5(TOP3A):c.2264G>A (p.Gly755Asp)

Gene: TOP3A (DNA topoisomerase III alpha; minus strand). Cytogenetic location: 17p11.2.
Variant type: single nucleotide variant.
Coding change: c.2264G>A on transcript NM_004618.5 (MANE Select); coding-DNA position 2264, G replaced by A.
Protein change: p.Gly755Asp; replaces glycine 755 with aspartic acid.
Molecular consequence: missense variant.
Genome position (GRCh38, 1-based): chr17:18,278,238, C>T on the plus strand (G>A on the coding strand, the complement: TOP3A is on the minus strand). VCF-style: chr17-18278238-C-T. GRCh37 (hg19) VCF-style: chr17-18181552-C-T.
Other names: c.1979G>A, p.Gly660Asp (NM_001320759.2); short protein forms G755D, G660D.
Identifiers: ClinVar variation 1949271 (VCV001949271.5), dbSNP rs759758444, ClinGen allele CA398624940.

ClinVar aggregate classification (germline): Uncertain significance (1 of 4 stars; one submission).

gnomAD v4.1: 2 of 1,573,328 alleles (0.00013%); highest among the groups gnomAD compares: East Asian, 0.0023%; no homozygotes.

Submission:

Labcorp Genetics (formerly Invitae), Labcorp
Classification: Uncertain significance. Last evaluated: 2021-12-22. Review status: criteria provided, single submitter. Criteria: Invitae Variant Classification Sherloc (09022015). Collection method: clinical testing. Allele origin: germline.
Comment: This sequence change replaces glycine, which is neutral and non-polar, with aspartic acid, which is acidic and polar, at codon 755 of the TOP3A protein (p.Gly755Asp). This variant is not present in population databases (gnomAD no frequency). This variant has not been reported in the literature in individuals affected with TOP3A-related conditions. Algorithms developed to predict the effect of missense changes on protein structure and function are either unavailable or do not agree on the potential impact of this missense change (SIFT: "Not Available"; PolyPhen-2: "Benign"; Align-GVGD: "Not Available"). In summary, the available evidence is currently insufficient to determine the role of this variant in disease. Therefore, it has been classified as a Variant of Uncertain Significance.